The following is an entry in ClinVar:

NM_004517.4(ILK):c.758T>C (p.Val253Ala)

Genes: TAF10 (TATA-box binding protein associated factor 10; minus strand), ILK (integrin linked kinase; plus strand). Cytogenetic location: 11p15.4.
Variant type: single nucleotide variant.
Coding change: c.758T>C on transcript NM_004517.4 (MANE Select); coding-DNA position 758, T replaced by C.
Protein change: p.Val253Ala; replaces valine 253 with alanine.
Molecular consequence: missense variant. On other transcripts: 3 prime UTR variant (1).
Genome position (GRCh38, 1-based): chr11:6,609,541, T>C. VCF-style: chr11-6609541-T-C. GRCh37 (hg19) VCF-style: chr11-6630772-T-C.
Other names: c.758T>C, p.Val253Ala (NM_001014794.3, NM_001014795.3); c.575T>C, p.Val192Ala (NM_001278441.2); c.356T>C, p.Val119Ala (NM_001278442.2); c.*1381A>G (NM_006284.4); short protein forms V192A, V253A, V119A.
Identifiers: ClinVar variation 2451636 (VCV002451636.5), dbSNP rs1222959517, ClinGen allele CA379462279.

ClinVar aggregate classification (germline): Uncertain significance. Review status: criteria provided, multiple submitters, no conflicts (2 of 4 stars). 2 submissions from 2 submitters: Uncertain significance (2). Last evaluated 2024-08-22.

Conditions:
Primary familial hypertrophic cardiomyopathy (HCM). Identifiers: Orphanet 99739, MedGen C0949658, MeSH D024741, MONDO:0024573. Inheritance: Various modes of inheritance.

Allele frequency attached by ClinVar (database versions not stated): TOPMed below 0.00001; gnomAD 0.00001.
gnomAD v4.1: 1 of 1,614,050 alleles (0.000062%); highest among the groups gnomAD compares: East Asian, 0.0022%; no homozygotes.

Submissions (2):

Labcorp Genetics (formerly Invitae), Labcorp
Classification: Uncertain significance for Primary familial hypertrophic cardiomyopathy. Last evaluated: 2024-08-22. Review status: criteria provided, single submitter. Criteria: Invitae Variant Classification Sherloc (09022015). Collection method: clinical testing. Allele origin: germline.
Comment: This sequence change replaces valine, which is neutral and non-polar, with alanine, which is neutral and non-polar, at codon 253 of the ILK protein (p.Val253Ala). This variant is present in population databases (no rsID available, gnomAD 0.006%). This variant has not been reported in the literature in individuals affected with ILK-related conditions. ClinVar contains an entry for this variant (Variation ID: 2451636). An algorithm developed to predict the effect of missense changes on protein structure and function (PolyPhen-2) suggests that this variant is likely to be disruptive. In summary, the available evidence is currently insufficient to determine the role of this variant in disease. Therefore, it has been classified as a Variant of Uncertain Significance.

Ambry Genetics
Classification: Uncertain significance. Last evaluated: 2022-12-06. Review status: criteria provided, single submitter. Criteria: Ambry Variant Classification Scheme 2023. Collection method: clinical testing. Allele origin: germline.
Comment: The p.V253A variant (also known as c.758T>C), located in coding exon 8 of the ILK gene, results from a T to C substitution at nucleotide position 758. The valine at codon 253 is replaced by alanine, an amino acid with similar properties. This amino acid position is conserved. In addition, this alteration is predicted to be deleterious by in silico analysis. Since supporting evidence is limited at this time, the clinical significance of this alteration remains unclear.